The following is an entry in ClinVar:

NM_005898.5(CAPRIN1):c.844G>T (p.Glu282Ter)

Gene: CAPRIN1 (cell cycle associated protein 1; plus strand). Cytogenetic location: 11p13.
Variant type: single nucleotide variant.
Coding change: c.844G>T on transcript NM_005898.5 (MANE Select); coding-DNA position 844, G replaced by T.
Protein change: p.Glu282Ter; replaces glutamic acid 282 with a stop codon.
Molecular consequence: nonsense.
Genome position (GRCh38, 1-based): chr11:34,082,842, G>T. VCF-style: chr11-34082842-G-T. GRCh37 (hg19) VCF-style: chr11-34104389-G-T.
Other names: c.844G>T, p.Glu282Ter (NM_203364.3); short protein forms E282*.
Identifiers: ClinVar variation 4082550 (VCV004082550.1).

ClinVar aggregate classification (germline): Pathogenic (1 of 4 stars; one submission).

Submission:

GeneDx
Classification: Pathogenic. Last evaluated: 2025-03-06. Review status: criteria provided, single submitter. Criteria: GeneDx Variant Classification Process June 2021. Collection method: clinical testing. Allele origin: germline. Affected: yes.
Comment: Nonsense variant predicted to result in protein truncation or nonsense mediated decay in a gene for which loss of function is a known mechanism of disease; Not observed at significant frequency in large population cohorts (gnomAD); Has not been previously published as pathogenic or benign to our knowledge